The following is an entry in ClinVar:

NM_002485.5(NBN):c.778C>T (p.His260Tyr)

Gene: NBN (nibrin; minus strand). Cytogenetic location: 8q21.3.
Variant type: single nucleotide variant.
Coding change: c.778C>T on transcript NM_002485.5 (MANE Select); coding-DNA position 778, C replaced by T.
Protein change: p.His260Tyr; replaces histidine 260 with tyrosine.
Molecular consequence: missense variant.
Genome position (GRCh38, 1-based): chr8:89,970,482, G>A on the plus strand (C>T on the coding strand, the complement: NBN is on the minus strand). VCF-style: chr8-89970482-G-A. GRCh37 (hg19) VCF-style: chr8-90982710-G-A.
Other names: c.532C>T, p.His178Tyr (NM_001024688.3); short protein forms H178Y, H260Y.
Identifiers: ClinVar variation 1312641 (VCV001312641.7), dbSNP rs767013459, ClinGen allele CA371658680.
Genomic context (GRCh38, chr8:89,970,482, plus strand): 5'-TCTGTGAGTTTGTTATTCCTGTATCAACAACACACGTTCCCGGAGCCAAAAAGAAATTAT[G>A]TTCTTCTTCATTCTCTTCTGTTATCAACCTAGCTTCCCCACCTCCAAAGACAACTGCGGA-3'
Protein context (NP_002476.2, residues 250-270): RLITEENEEE[His260Tyr]NFFLAPGTCV

ClinVar aggregate classification (germline): Uncertain significance. Review status: criteria provided, multiple submitters, no conflicts (2 of 4 stars). 3 submissions from 3 submitters: Uncertain significance (3). Last evaluated 2023-09-09.

Conditions:
Hereditary cancer-predisposing syndrome. Also called: Neoplastic Syndromes, Hereditary; Hereditary Cancer Syndrome; Tumor predisposition; Hereditary neoplastic syndrome. Identifiers: Orphanet 140162, MedGen C0027672, MeSH D009386, MONDO:0015356.
Microcephaly, normal intelligence and immunodeficiency (NBS). Also called: IMMUNODEFICIENCY, MICROCEPHALY, AND CHROMOSOMAL INSTABILITY; Ataxia telangiectasia variant V1; Immunodeficiency, microcephaly with normal intelligence; SEEMANOVA SYNDROME II; Nijmegen breakage syndrome; Microcephaly with normal intelligence immunodeficiency and lymphoreticular malignancies. Identifiers: Orphanet 647, MedGen C0398791, MONDO:0009623, OMIM 251260.

Submissions (3):

Labcorp Genetics (formerly Invitae), Labcorp
Classification: Uncertain significance for Microcephaly, normal intelligence and immunodeficiency. Last evaluated: 2023-09-09. Review status: criteria provided, single submitter. Criteria: Invitae Variant Classification Sherloc (09022015). Collection method: clinical testing. Allele origin: germline.
Comment: In summary, the available evidence is currently insufficient to determine the role of this variant in disease. Therefore, it has been classified as a Variant of Uncertain Significance. An algorithm developed to predict the effect of missense changes on protein structure and function (PolyPhen-2) suggests that this variant is likely to be tolerated. ClinVar contains an entry for this variant (Variation ID: 1312641). This variant has not been reported in the literature in individuals affected with NBN-related conditions. This variant is not present in population databases (gnomAD no frequency). This sequence change replaces histidine, which is basic and polar, with tyrosine, which is neutral and polar, at codon 260 of the NBN protein (p.His260Tyr).

Ambry Genetics
Classification: Uncertain significance for Hereditary cancer-predisposing syndrome. Last evaluated: 2021-07-21. Review status: criteria provided, single submitter. Criteria: Ambry Variant Classification Scheme 2023. Collection method: clinical testing. Allele origin: germline.
Comment: The p.H260Y variant (also known as c.778C>T), located in coding exon 7 of the NBN gene, results from a C to T substitution at nucleotide position 778. The histidine at codon 260 is replaced by tyrosine, an amino acid with similar properties. This amino acid position is poorly conserved in available vertebrate species. In addition, this alteration is predicted to be tolerated by in silico analysis. Since supporting evidence is limited at this time, the clinical significance of this alteration remains unclear.

GeneDx
Classification: Uncertain significance. Last evaluated: 2020-05-04. Review status: criteria provided, single submitter. Criteria: GeneDx Variant Classification Process June 2021. Collection method: clinical testing. Allele origin: germline. Affected: yes.
Comment: Not observed in large population cohorts (Lek et al., 2016); In silico analysis supports that this missense variant does not alter protein structure/function; Has not been previously published as pathogenic or benign to our knowledge